The following is an entry in ClinVar:

ClinVar aggregate classification (germline): Uncertain significance (1 of 4 stars; one submission).

Conditions:
Inborn genetic diseases. Identifiers: MedGen C0950123, MeSH D030342.

gnomAD v4.1: 2 of 1,614,046 alleles (0.00012%); highest among the groups gnomAD compares: Non-Finnish European, 0.00017%; no homozygotes.

Submission:

Ambry Genetics
Classification: Uncertain significance for Inborn genetic diseases. Last evaluated: 2025-01-13. Review status: criteria provided, single submitter. Criteria: Ambry Variant Classification Scheme 2023. Collection method: clinical testing. Allele origin: germline.
Comment: The p.E234D variant (also known as c.702A>T), located in coding exon 6 of the FANCG gene, results from an A to T substitution at nucleotide position 702. The glutamic acid at codon 234 is replaced by aspartic acid, an amino acid with highly similar properties. This amino acid position is conserved. In addition, this alteration is predicted to be tolerated by in silico analysis. Based on the available evidence, the clinical significance of this variant remains unclear.

NM_004629.2(FANCG):c.702A>T (p.Glu234Asp)

Gene: FANCG (FA complementation group G; minus strand). Cytogenetic location: 9p13.3.
Variant type: single nucleotide variant.
Coding change: c.702A>T on transcript NM_004629.2 (MANE Select); coding-DNA position 702, A replaced by T.
Protein change: p.Glu234Asp; replaces glutamic acid 234 with aspartic acid.
Molecular consequence: missense variant.
Genome position (GRCh38, 1-based): chr9:35,077,046, T>A on the plus strand (A>T on the coding strand, the complement: FANCG is on the minus strand). VCF-style: chr9-35077046-T-A. GRCh37 (hg19) VCF-style: chr9-35077043-T-A.
Other names: short protein forms E234D.
Identifiers: ClinVar variation 3848405 (VCV003848405.1).